The following is an entry in ClinVar:

ClinVar aggregate classification (germline): Pathogenic (1 of 4 stars; one submission).

Conditions:
Peroxisome biogenesis disorder. Identifiers: Orphanet 79189, MedGen C1832200, MONDO:0019234. Disease mechanism: loss of function.

Submission:

Labcorp Genetics (formerly Invitae), Labcorp
Classification: Pathogenic for Peroxisome biogenesis disorder. Last evaluated: 2021-11-30. Review status: criteria provided, single submitter. Criteria: Invitae Variant Classification Sherloc (09022015). Collection method: clinical testing. Allele origin: germline.
Comment: For these reasons, this variant has been classified as Pathogenic. This variant has not been reported in the literature in individuals affected with PEX6-related conditions. This variant is not present in population databases (gnomAD no frequency). This sequence change creates a premature translational stop signal (p.Pro565Leufs*19) in the PEX6 gene. It is expected to result in an absent or disrupted protein product. Loss-of-function variants in PEX6 are known to be pathogenic (PMID: 8670792, 19877282, 21031596).

Literature cited by the submitters: PubMed 8670792; PubMed 19877282; PubMed 21031596.

NM_000287.4(PEX6):c.1690_1693dup (p.Pro565fs)

Gene: PEX6 (peroxisomal biogenesis factor 6; minus strand). Cytogenetic location: 6p21.1.
Variant type: Duplication.
Coding change: c.1690_1693dup on transcript NM_000287.4 (MANE Select); coding-DNA positions 1690 to 1693, 4 bases duplicated (TGCC; older notation c.1690_1693dupTGCC).
Protein change: p.Pro565fs; shifts the reading frame from proline 565.
Molecular consequence: frameshift variant. On other transcripts: non-coding transcript variant (1).
Genome position (GRCh38, 1-based): chr6:42,967,559-42,967,562, GGCA duplicated on the plus strand (TGCC on the coding strand, the reverse complement: PEX6 is on the minus strand); duplicating any 4 consecutive bases within chr6:42,967,559-42,967,563 gives the same sequence; the c. name uses the placement nearest the transcript's 3' end. VCF-style (leftmost placement, unchanged base first): chr6-42967558-G-GGGCA. GRCh37 (hg19) VCF-style: chr6-42935296-G-GGGCA.
Other names: c.1426_1429dup, p.Pro477fs (NM_001316313.2); short protein forms P477fs, P565fs.
Identifiers: ClinVar variation 1452645 (VCV001452645.6), dbSNP rs2114242907, ClinGen allele CA2573140759.